The following is an entry in ClinVar:

NM_022124.6(CDH23):c.204C>T (p.Gly68=)

Genes: CDH23 (cadherin related 23; plus strand), CDH23-AS1 (CDH23 antisense RNA 1; minus strand). Cytogenetic location: 10q22.1.
Variant type: single nucleotide variant.
Coding change: c.204C>T on transcript NM_022124.6 (MANE Select); coding-DNA position 204, C replaced by T.
Protein change: p.Gly68=; no amino-acid change (glycine 68 retained).
Molecular consequence: synonymous variant.
Genome position (GRCh38, 1-based): chr10:71,510,140, C>T. VCF-style: chr10-71510140-C-T. GRCh37 (hg19) VCF-style: chr10-73269897-C-T.
Other names: c.204C>T, p.Gly68= (NM_001171930.2, NM_001171931.2, NM_001171932.2 and 1 more transcripts).
Identifiers: ClinVar variation 45887 (VCV000045887.24), dbSNP rs116624130, ClinGen allele CA137309.

ClinVar aggregate classification (germline): Benign/Likely benign. Review status: criteria provided, multiple submitters, no conflicts (2 of 4 stars). 8 submissions from 7 submitters: Benign (5); Likely benign (2). 1 of the submissions does not count toward it. Last evaluated 2026-02-04.

Conditions:
Usher syndrome type 1 (USH1). Also called: RETINITIS PIGMENTOSA AND CONGENITAL DEAFNESS. Identifiers: Orphanet 231169, Orphanet 886, MedGen C1568247, MONDO:0010168, OMIM 276900.
Usher syndrome type 1D (USH1D). Also called: USHER SYNDROME, TYPE ID. Identifiers: Orphanet 231169, Orphanet 886, MedGen C1832845, MONDO:0010984, OMIM 601067.
Autosomal recessive nonsyndromic hearing loss 12. Also called: DEAFNESS, AUTOSOMAL RECESSIVE 12. Identifiers: Orphanet 90636, MedGen C1832394, MONDO:0011067, OMIM 601386.

Allele frequency attached by ClinVar (database versions not stated): gnomAD exomes 0.00206 and 0.00451; ExAC 0.00491; ESP Exome Variant Server 0.01290; gnomAD 0.01307 and 0.01418; 1000 Genomes Project 0.01358; 1000 Genomes Project 30x 0.01405; TOPMed 0.01475.
gnomAD v4.1: 5,180 of 1,613,982 alleles (0.32%); highest among the groups gnomAD compares: African/African-American, 4.1%; 83 homozygotes.

Submissions (11):

Labcorp Genetics (formerly Invitae), Labcorp
Classification: Benign. Last evaluated: 2026-02-04. Review status: criteria provided, single submitter. Criteria: Invitae Variant Classification Sherloc (09022015). Collection method: clinical testing. Allele origin: germline.

Illumina Laboratory Services, Illumina
Classification: Likely benign for Autosomal recessive nonsyndromic hearing loss 12. Last evaluated: 2018-01-12. Review status: criteria provided, single submitter. Criteria: ICSL Variant Classification Criteria 13 December 2019. Collection method: clinical testing. Allele origin: germline.
Comment: This variant was observed in the ICSL laboratory as part of a predisposition screen in an ostensibly healthy population. It had not been previously curated by ICSL or reported in the Human Gene Mutation Database (HGMD: prior to June 1st, 2018), and was therefore a candidate for classification through an automated scoring system. Utilizing variant allele frequency, disease prevalence and penetrance estimates, and inheritance mode, an automated score was calculated to assess if this variant is too frequent to cause the disease. Based on the score and internal cut-off values, a variant classified as likely benign is not then subjected to further curation. The score for this variant resulted in a classification of likely benign for this disease.

Illumina Laboratory Services, Illumina
Classification: Benign for Usher syndrome type 1D. Last evaluated: 2018-01-12. Review status: criteria provided, single submitter. Criteria: ICSL Variant Classification Criteria 13 December 2019. Collection method: clinical testing. Allele origin: germline.
Comment: This variant was observed in the ICSL laboratory as part of a predisposition screen in an ostensibly healthy population. It had not been previously curated by ICSL or reported in the Human Gene Mutation Database (HGMD: prior to June 1st, 2018), and was therefore a candidate for classification through an automated scoring system. Utilizing variant allele frequency, disease prevalence and penetrance estimates, and inheritance mode, an automated score was calculated to assess if this variant is too frequent to cause the disease. Based on the score and internal cut-off values, a variant classified as benign is not then subjected to further curation. The score for this variant resulted in a classification of benign for this disease.

GeneDx
Classification: Benign. Last evaluated: 2015-03-03. Review status: criteria provided, single submitter. Criteria: GeneDx Variant Classification Process June 2021. Collection method: clinical testing. Allele origin: germline. Affected: yes.

Laboratory for Molecular Medicine, Mass General Brigham Personalized Medicine
Classification: Benign. Last evaluated: 2011-10-05. Review status: criteria provided, single submitter. Criteria: LMM Criteria. Collection method: clinical testing. Allele origin: germline. Observed: 32 variant alleles.
Comment: Gly68Gly in exon 4 of CDH23: This variant is not expected to have clinical signi ficance because it does not alter an amino acid residue, is not located near a s plice junction and is listed in dbSNP with a frequency of 9.6% (23/239) control chromosomes (rs116624130).

Breakthrough Genomics
Classification: Likely benign. Review status: criteria provided, single submitter. Criteria: ACMG Guidelines, 2015. Collection method: not provided. Allele origin: germline. Inheritance: Autosomal recessive inheritance. Affected: yes.

PreventionGenetics, part of Exact Sciences
Classification: Benign. Review status: criteria provided, single submitter. Criteria: ACMG Guidelines, 2015. Collection method: clinical testing. Allele origin: germline.

Natera, Inc.
Classification: Benign for Usher syndrome type 1. Last evaluated: 2020-09-16. Review status: no assertion criteria provided. Collection method: clinical testing. Allele origin: germline. Not counted in ClinVar's aggregate classification.

Dr. Peter K. Rogan Lab, Western University
No classification provided (evidence only). Condition: Lung cancer. Review status: no classification provided. Collection method: in vitro. Allele origin: not applicable. Functional consequence: retained intron. Not counted in ClinVar's aggregate classification.

Dr. Peter K. Rogan Lab, Western University
No classification provided (evidence only). Condition: Ovarian serous cystadenocarcinoma. Review status: no classification provided. Collection method: in vitro. Allele origin: not applicable. Functional consequence: retained intron. Not counted in ClinVar's aggregate classification.

Dr. Peter K. Rogan Lab, Western University
No classification provided (evidence only). Condition: Ovarian serous cystadenocarcinoma. Review status: no classification provided. Collection method: in vitro. Allele origin: not applicable. Functional consequence: retained intron. Not counted in ClinVar's aggregate classification.